The following is an entry in ClinVar:

ClinVar aggregate classification (germline): not provided (0 of 4 stars; one submission).

Allele frequency attached by ClinVar (database versions not stated): TOPMed 0.00022; ESP Exome Variant Server 0.00038.
gnomAD v4.1: 440 of 1,606,952 alleles (0.027%); highest among the groups gnomAD compares: Non-Finnish European, 0.034%; no homozygotes.

Submission:

ITMI
No classification provided. Condition: AllHighlyPenetrant. Last evaluated: 2013-09-19. Review status: no classification provided. Collection method: reference population. Allele origin: germline.
Comment: Please see associated publication for description of ethnicities

Literature cited by the submitters: PubMed 24728327.

NM_001386298.1(CIC):c.3611C>T (p.Thr1204Met)

Gene: CIC (capicua transcriptional repressor; plus strand). Cytogenetic location: 19q13.2.
Variant type: single nucleotide variant.
Coding change: c.3611C>T on transcript NM_001386298.1 (MANE Select); coding-DNA position 3611, C replaced by T.
Protein change: p.Thr1204Met; replaces threonine 1204 with methionine.
Molecular consequence: missense variant.
Genome position (GRCh38, 1-based): chr19:42,287,928, C>T. VCF-style: chr19-42287928-C-T. GRCh37 (hg19) VCF-style: chr19-42792080-C-T.
Other names: c.3611C>T, p.Thr1204Met (NM_001304815.2, NM_001379480.1, NM_001379482.1); c.884C>T, p.Thr295Met (NM_001379484.1, NM_001379485.1, NM_015125.5); short protein forms T295M, T1204M.
Identifiers: ClinVar variation 133921 (VCV000133921.1), dbSNP rs141544536, ClinGen allele CA158160.